The following is an entry in ClinVar:

NM_000815.5(GABRD):c.1107C>A (p.Gly369=)

Gene: GABRD (gamma-aminobutyric acid type A receptor subunit delta; plus strand). Cytogenetic location: 1p36.33.
Variant type: single nucleotide variant.
Coding change: c.1107C>A on transcript NM_000815.5 (MANE Select); coding-DNA position 1107, C replaced by A.
Protein change: p.Gly369=; no amino-acid change (glycine 369 retained).
Molecular consequence: synonymous variant.
Genome position (GRCh38, 1-based): chr1:2,030,030, C>A. VCF-style: chr1-2030030-C-A. GRCh37 (hg19) VCF-style: chr1-1961469-C-A.
Identifiers: ClinVar variation 460005 (VCV000460005.13), dbSNP rs148300882, ClinGen allele CA534913.

ClinVar aggregate classification (germline): Benign/Likely benign. Review status: criteria provided, multiple submitters, no conflicts (2 of 4 stars). 4 submissions from 4 submitters: Benign (1); Likely benign (1). 2 of the submissions do not count toward it. Last evaluated 2025-12-01.

Conditions:
GABRD-related disorder. Also called: GABRD-related condition.
Idiopathic generalized epilepsy. Also called: EIG; Generalised epilepsy. Identifiers: MedGen C0270850, MONDO:0005579, OMIM 600669.
Epilepsy, idiopathic generalized, susceptibility to, 10. Identifiers: MedGen C2751603, MONDO:0013103, OMIM 613060.

Allele frequency attached by ClinVar (database versions not stated): 1000 Genomes Project 0.00040; 1000 Genomes Project 30x 0.00047; TOPMed 0.00100; gnomAD 0.00111 and 0.00115; ESP Exome Variant Server 0.00139.
gnomAD v4.1: 2,316 of 1,612,632 alleles (0.14%); highest among the groups gnomAD compares: Non-Finnish European, 0.18%; 3 homozygotes.

Submissions (4):

Labcorp Genetics (formerly Invitae), Labcorp
Classification: Benign for Idiopathic generalized epilepsy. Last evaluated: 2025-12-01. Review status: criteria provided, single submitter. Criteria: Invitae Variant Classification Sherloc (09022015). Collection method: clinical testing. Allele origin: germline.

PreventionGenetics, part of Exact Sciences
Classification: Likely benign for GABRD-related condition. Last evaluated: 2025-06-24. Review status: criteria provided, single submitter. Criteria: ACMG Guidelines, 2015. Collection method: clinical testing. Allele origin: germline.
Comment: This variant is classified as likely benign based on ACMG/AMP sequence variant interpretation guidelines (Richards et al. 2015 PMID: 25741868, with internal and published modifications).

Diagnostic Laboratory, Department of Genetics, University Medical Center Groningen
Classification: Likely benign for Epilepsy, idiopathic generalized, susceptibility to, 10. Review status: no assertion criteria provided. Collection method: clinical testing. Allele origin: germline. Affected: yes. Study: VKGL Data-share Consensus. Not counted in ClinVar's aggregate classification.

Genome Diagnostics Laboratory, University Medical Center Utrecht
Classification: Likely benign. Review status: no assertion criteria provided. Collection method: clinical testing. Allele origin: germline. Affected: yes. Study: VKGL Data-share Consensus. Not counted in ClinVar's aggregate classification.